The following is an entry in ClinVar:

NM_000455.5(STK11):c.923G>T (p.Trp308Leu)

Gene: STK11 (serine/threonine kinase 11; plus strand). Cytogenetic location: 19p13.3.
Variant type: single nucleotide variant.
Coding change: c.923G>T on transcript NM_000455.5 (MANE Select); coding-DNA position 923, G replaced by T.
Protein change: p.Trp308Leu; replaces tryptophan 308 with leucine.
Molecular consequence: missense variant.
Genome position (GRCh38, 1-based): chr19:1,222,987, G>T. VCF-style: chr19-1222987-G-T. GRCh37 (hg19) VCF-style: chr19-1222986-G-T.
Other names: short protein forms W308L.
Identifiers: ClinVar variation 220351 (VCV000220351.9), dbSNP rs864622488, ClinGen allele CA349711.
Genomic context (GRCh38, chr19:1,222,987, plus strand): 5'-AAAACTGGACCGCCCTGGTGCCAGCCTGACAGGCGCCACTGCTTCTGGGCGTTTGCAGCT[G>T]GTTCCGGAAGAAACATCCTCCGGCTGAAGCACCAGTGCCCATCCCACCGAGCCCAGACAC-3'
Protein context (NP_000446.1, residues 298-318): FSIRQIRQHS[Trp308Leu]FRKKHPPAEA

ClinVar aggregate classification (germline): Likely pathogenic. Review status: criteria provided, multiple submitters, no conflicts (2 of 4 stars). 2 submissions from 2 submitters: Likely pathogenic (2). Last evaluated 2019-11-07.

Conditions:
Peutz-Jeghers syndrome (PJS). Also called: POLYPOSIS, HAMARTOMATOUS INTESTINAL; POLYPS-AND-SPOTS SYNDROME; Peutz-Jeghers polyposis; Periorificial lentiginosis syndrome. Identifiers: Orphanet 2869, MedGen C0031269, MeSH D010580, MONDO:0008280, OMIM 175200.
Familial pancreatic carcinoma. Identifiers: Orphanet 1333, MedGen C2931038, MONDO:0015278, OMIM 260350.
Melanoma, cutaneous malignant, susceptibility to, 1 (CMM1). Also called: B-K MOLE SYNDROME; DYSPLASTIC NEVUS SYNDROME, HEREDITARY; FAMILIAL ATYPICAL MOLE-MALIGNANT MELANOMA SYNDROME; MELANOMA, MALIGNANT. Identifiers: Orphanet 618, MedGen C1835047, MONDO:0007963, OMIM 155600.
Germ cell tumor of testis (TGCT). Also called: GERM CELL TUMOR, SOMATIC; Testicular germ cell tumor. Identifiers: Orphanet 363504, MedGen C1336708, MONDO:0010108, OMIM 273300.

Submissions (2):

Department of Pathology and Laboratory Medicine, Sinai Health System
Classification: Likely pathogenic for Melanoma, cutaneous malignant, susceptibility to, 1; Peutz-Jeghers syndrome; Familial pancreatic carcinoma; Germ cell tumor of testis. Last evaluated: 2019-11-07. Review status: criteria provided, single submitter. Criteria: ACMG Guidelines, 2015. Collection method: clinical testing. Allele origin: germline.

Labcorp Genetics (formerly Invitae), Labcorp
Classification: Likely pathogenic for Peutz-Jeghers syndrome. Last evaluated: 2015-09-24. Review status: criteria provided, single submitter. Criteria: Invitae Variant Classification Sherloc (09022015). Collection method: clinical testing. Allele origin: germline.
Comment: Three different missense substitutions at this codon (p.Trp308Cys, p.Trp308Gly, p.Trp308Ser), one of which abolished STK11 kinase activity in vitro (PMID: 9837816), have been reported in patients affected with Peutz–Jeghers syndrome (PMID: 9837816, 24604241, 23415580). These observations suggest that this novel missense substitution at the Trp308 residue may affect protein function, but experiments have not been done to test this possibility. This variant is not present in population databases (ExAC no frequency) and has not been reported in the literature as a germline variant. For these reasons, this variant has been classified as Likely Pathogenic. This sequence change replaces tryptophan with leucine at codon 308 of the STK11 protein (p.Trp308Leu). The tryptophan residue is highly conserved and there is a small physicochemical difference between tryptophan and leucine.

Literature cited by the submitters: PubMed 9837816 (cited by Department of Pathology and Laboratory Medicine, Sinai Health System and Labcorp Genetics (formerly Invitae), Labcorp); PubMed 24604241 (cited by Labcorp Genetics (formerly Invitae), Labcorp); PubMed 23415580 (cited by Labcorp Genetics (formerly Invitae), Labcorp).